The following is an entry in ClinVar:

NM_001330360.2(POLA1):c.3932C>T (p.Pro1311Leu)

Gene: POLA1 (DNA polymerase alpha 1, catalytic subunit; plus strand). Cytogenetic location: Xp22.11.
Variant type: single nucleotide variant.
Coding change: c.3932C>T on transcript NM_001330360.2 (MANE Select); coding-DNA position 3932, C replaced by T.
Protein change: p.Pro1311Leu; replaces proline 1311 with leucine.
Molecular consequence: missense variant. On other transcripts: non-coding transcript variant (2).
Genome position (GRCh38, 1-based): chrX:24,843,562, C>T. VCF-style: chrX-24843562-C-T. GRCh37 (hg19) VCF-style: chrX-24861679-C-T.
Other names: c.3857C>T, p.Pro1286Leu (NM_001378303.1); c.3914C>T, p.Pro1305Leu (NM_016937.4); short protein forms P1311L, P1286L, P1305L.
Identifiers: ClinVar variation 2873552 (VCV002873552.3), dbSNP rs2518749135, ClinGen allele CA412608366.

ClinVar aggregate classification (germline): Uncertain significance (1 of 4 stars; one submission).

Allele frequency attached by ClinVar (database versions not stated): gnomAD exomes below 0.00001.
gnomAD v4.1: 1 of 1,193,796 alleles (0.000084%); highest among the groups gnomAD compares: African/African-American, 0.0017%; no homozygotes.

Submission:

Labcorp Genetics (formerly Invitae), Labcorp
Classification: Uncertain significance. Last evaluated: 2023-08-14. Review status: criteria provided, single submitter. Criteria: Invitae Variant Classification Sherloc (09022015). Collection method: clinical testing. Allele origin: germline.
Comment: In summary, the available evidence is currently insufficient to determine the role of this variant in disease. Therefore, it has been classified as a Variant of Uncertain Significance. Advanced modeling of protein sequence and biophysical properties (such as structural, functional, and spatial information, amino acid conservation, physicochemical variation, residue mobility, and thermodynamic stability) performed at Invitae indicates that this missense variant is not expected to disrupt POLA1 protein function. This variant has not been reported in the literature in individuals affected with POLA1-related conditions. This variant is not present in population databases (gnomAD no frequency). This sequence change replaces proline, which is neutral and non-polar, with leucine, which is neutral and non-polar, at codon 1305 of the POLA1 protein (p.Pro1305Leu).